The following is an entry in ClinVar:

NM_018062.4(FANCL):c.121G>T (p.Val41Leu)

Gene: FANCL (FA complementation group L; minus strand). Cytogenetic location: 2p16.1.
Variant type: single nucleotide variant.
Coding change: c.121G>T on transcript NM_018062.4 (MANE Select); coding-DNA position 121, G replaced by T.
Protein change: p.Val41Leu; replaces valine 41 with leucine.
Molecular consequence: missense variant.
Genome position (GRCh38, 1-based): chr2:58,232,088, C>A on the plus strand (G>T on the coding strand, the complement: FANCL is on the minus strand). VCF-style: chr2-58232088-C-A. GRCh37 (hg19) VCF-style: chr2-58459223-C-A.
Other names: c.121G>T, p.Val41Leu (NM_001114636.2, NM_001374615.1, NM_001410792.1); short protein forms V41L.
Identifiers: ClinVar variation 1503254 (VCV001503254.6), dbSNP rs763523035, ClinGen allele CA1670790.

ClinVar aggregate classification (germline): Uncertain significance. Review status: criteria provided, multiple submitters, no conflicts (2 of 4 stars). 2 submissions from 2 submitters: Uncertain significance (2). Last evaluated 2024-01-16.

Conditions:
Fanconi anemia complementation group L (FANCL). Also called: FANCL-Related Fanconi Anemia. Identifiers: Orphanet 84, MedGen C3469528, MONDO:0013566, OMIM 614083.
Fanconi anemia (FA). Also called: Fanconi's anemia. Identifiers: Orphanet 84, MedGen C0015625, MeSH D005199, MONDO:0019391.

Allele frequency attached by ClinVar (database versions not stated): TOPMed below 0.00001; ExAC 0.00001; gnomAD exomes 0.00001.
gnomAD v4.1: 4 of 1,613,354 alleles (0.00025%); highest among the groups gnomAD compares: Admixed American, 0.0067%; no homozygotes.

Submissions (2):

Fulgent Genetics
Classification: Uncertain significance for Fanconi anemia complementation group L. Last evaluated: 2024-01-16. Review status: criteria provided, single submitter. Criteria: ACMG Guidelines, 2015. Collection method: clinical testing. Allele origin: germline.

Labcorp Genetics (formerly Invitae), Labcorp
Classification: Uncertain significance for Fanconi anemia. Last evaluated: 2023-11-03. Review status: criteria provided, single submitter. Criteria: Invitae Variant Classification Sherloc (09022015). Collection method: clinical testing. Allele origin: germline.
Comment: This sequence change replaces valine, which is neutral and non-polar, with leucine, which is neutral and non-polar, at codon 41 of the FANCL protein (p.Val41Leu). This variant is present in population databases (rs763523035, gnomAD 0.009%). This variant has not been reported in the literature in individuals affected with FANCL-related conditions. ClinVar contains an entry for this variant (Variation ID: 1503254). Advanced modeling of protein sequence and biophysical properties (such as structural, functional, and spatial information, amino acid conservation, physicochemical variation, residue mobility, and thermodynamic stability) performed at Invitae indicates that this missense variant is not expected to disrupt FANCL protein function with a negative predictive value of 80%. In summary, the available evidence is currently insufficient to determine the role of this variant in disease. Therefore, it has been classified as a Variant of Uncertain Significance.